The following is an entry in ClinVar:

NM_004629.2(FANCG):c.971A>G (p.Glu324Gly)

Gene: FANCG (FA complementation group G; minus strand). Cytogenetic location: 9p13.3.
Variant type: single nucleotide variant.
Coding change: c.971A>G on transcript NM_004629.2 (MANE Select); coding-DNA position 971, A replaced by G.
Protein change: p.Glu324Gly; replaces glutamic acid 324 with glycine.
Molecular consequence: missense variant.
Genome position (GRCh38, 1-based): chr9:35,076,537, T>C on the plus strand (A>G on the coding strand, the complement: FANCG is on the minus strand). VCF-style: chr9-35076537-T-C. GRCh37 (hg19) VCF-style: chr9-35076534-T-C.
Other names: short protein forms E324G.
Identifiers: ClinVar variation 3512838 (VCV003512838.1).
Genomic context (GRCh38, chr9:35,076,537, plus strand): 5'-CTCTGAGTGCCACAATGAAGGGGTGAGGCTAGGTCAGGTGGTGGCAGTAGTAATTCTACC[T>C]CAATGAGAAACTGCGGGGCTTTGGAACTGCATGGGACATTCAAGGCCTAAAAGAGAAAGA-3'
Protein context (NP_004620.1, residues 314-334): CSSKAPQFLI[Glu324Gly]VELLLPPPDL

ClinVar aggregate classification (germline): Uncertain significance (1 of 4 stars; one submission).

Conditions:
Inborn genetic diseases. Identifiers: MedGen C0950123, MeSH D030342.

Submission:

Ambry Genetics
Classification: Uncertain significance for Inborn genetic diseases. Last evaluated: 2024-11-23. Review status: criteria provided, single submitter. Criteria: Ambry Variant Classification Scheme 2023. Collection method: clinical testing. Allele origin: germline.
Comment: The p.E324G variant (also known as c.971A>G), located in coding exon 8 of the FANCG gene, results from an A to G substitution at nucleotide position 971. The glutamic acid at codon 324 is replaced by glycine, an amino acid with similar properties. This amino acid position is conserved. In addition, this alteration is predicted to be tolerated by in silico analysis. Based on the available evidence, the clinical significance of this variant remains unclear.